The following is an entry in ClinVar:

ClinVar aggregate classification (germline): Uncertain significance (1 of 4 stars; one submission).

gnomAD v4.1: 53 of 1,534,042 alleles (0.0035%); highest among the groups gnomAD compares: African/African-American, 0.0055%; no homozygotes.

Submission:

Labcorp Genetics (formerly Invitae), Labcorp
Classification: Uncertain significance. Last evaluated: 2024-07-31. Review status: criteria provided, single submitter. Criteria: Invitae Variant Classification Sherloc (09022015). Collection method: clinical testing. Allele origin: germline.
Comment: This sequence change affects codon 117 of the DLL1 mRNA. It is a 'silent' change, meaning that it does not change the encoded amino acid sequence of the DLL1 protein. This variant also falls at the last nucleotide of exon 2, which is part of the consensus splice site for this exon. This variant is present in population databases (no rsID available, gnomAD 0.008%). This variant has not been reported in the literature in individuals affected with DLL1-related conditions. ClinVar contains an entry for this variant (Variation ID: 2047314). Variants that disrupt the consensus splice site are a relatively common cause of aberrant splicing (PMID: 17576681, 9536098). Algorithms developed to predict the effect of sequence changes on RNA splicing suggest that this variant is not likely to affect RNA splicing. In summary, the available evidence is currently insufficient to determine the role of this variant in disease. Therefore, it has been classified as a Variant of Uncertain Significance.

Literature cited by the submitters: PubMed 17576681; PubMed 9536098.

NM_005618.4(DLL1):c.351G>T (p.Pro117=)

Gene: DLL1 (delta like canonical Notch ligand 1; minus strand). Cytogenetic location: 6q27.
Variant type: single nucleotide variant.
Coding change: c.351G>T on transcript NM_005618.4 (MANE Select); coding-DNA position 351, G replaced by T.
Protein change: p.Pro117=; no amino-acid change (proline 117 retained).
Molecular consequence: synonymous variant.
Genome position (GRCh38, 1-based): chr6:170,289,512, C>A on the plus strand (G>T on the coding strand, the complement: DLL1 is on the minus strand). VCF-style: chr6-170289512-C-A. GRCh37 (hg19) VCF-style: chr6-170598600-C-A.
Identifiers: ClinVar variation 2047314 (VCV002047314.3), dbSNP rs568795091, ClinGen allele CA152196087.